The following is an entry in ClinVar:

ClinVar aggregate classification (germline): Conflicting classifications of pathogenicity. Review status: criteria provided, conflicting classifications (1 of 4 stars). 3 submissions from 3 submitters: Likely pathogenic (1); Uncertain significance (2). Last evaluated 2023-09-19.

Conditions:
Loeys-Dietz syndrome 1 (LDS1). Also called: TGFBR1-Related Loeys-Dietz Syndrome; FURLONG SYNDROME; AORTIC ANEURYSM, FAMILIAL THORACIC 5. Identifiers: Orphanet 60030, MedGen C4551955, MONDO:0012212, OMIM 609192.
Multiple self-healing squamous epithelioma (MSSE). Also called: MULTIPLE SELF-HEALING SQUAMOUS EPITHELIOMA, SUSCEPTIBILITY TO. Identifiers: Orphanet 65748, MedGen C0546476, MONDO:0007566, OMIM 132800.
Familial thoracic aortic aneurysm and aortic dissection (TAAD). Also called: Thoracic aortic aneurysms and dissections. Identifiers: Orphanet 91387, MedGen C4707243, MONDO:0019625.

Submissions (3):

Labcorp Genetics (formerly Invitae), Labcorp
Classification: Uncertain significance for Familial thoracic aortic aneurysm and aortic dissection. Last evaluated: 2023-09-19. Review status: criteria provided, single submitter. Criteria: Invitae Variant Classification Sherloc (09022015). Collection method: clinical testing. Allele origin: germline.
Comment: This variant has not been reported in the literature in individuals affected with TGFBR1-related conditions. This sequence change replaces serine, which is neutral and polar, with phenylalanine, which is neutral and non-polar, at codon 287 of the TGFBR1 protein (p.Ser287Phe). This variant is not present in population databases (gnomAD no frequency). ClinVar contains an entry for this variant (Variation ID: 213900). Advanced modeling of protein sequence and biophysical properties (such as structural, functional, and spatial information, amino acid conservation, physicochemical variation, residue mobility, and thermodynamic stability) performed at Invitae indicates that this missense variant is expected to disrupt TGFBR1 protein function. This variant disrupts the p.Ser287 amino acid residue in TGFBR1. Other variant(s) that disrupt this residue have been determined to be pathogenic (Invitae). This suggests that this residue is clinically significant, and that variants that disrupt this residue are likely to be disease-causing. In summary, the available evidence is currently insufficient to determine the role of this variant in disease. Therefore, it has been classified as a Variant of Uncertain Significance.

GeneDx
Classification: Uncertain significance. Last evaluated: 2015-01-14. Review status: criteria provided, single submitter. Criteria: GeneDx Variant Classification (06012015). Collection method: clinical testing. Allele origin: germline. Affected: yes.
Comment: p.Ser287Phe (TCC>TTC): c.860 C>T in exon 5 of the TGFBR1 gene (NM_004612.2) The S287F variant of unknown significance in the TGFBR1 gene has not been published as a mutation or been reported as a benign polymorphism to our knowledge. The S287F variant was not observed in approximately 6,500 individuals of European and African American ancestry in the NHLBI Exome Sequencing Project, indicating it is not a common benign variant in these populations. The S287F variant is a non-conservative amino acid substitution, which is likely to impact secondary protein structure as these residues differ in polarity, charge, size and/or other properties. Located within the protein kinase and cytoplasmic topological domain of TGFBR1, this substitution occurs at a position that is fully conserved across species. In silico analysis predicts this variant is probably damaging to the protein structure/function. Nevertheless, no missense mutations in nearby residues have been reported in association with TGFRB1-related disorder. Therefore, based on the currently available information, it is unclear whether this variant is a pathogenic mutation or a rare benign variant. This variant was found in TAADV2-1

Juno Genomics, Hangzhou Juno Genomics, Inc
Classification: Likely pathogenic for Multiple self-healing squamous epithelioma; Loeys-Dietz syndrome 1. Review status: criteria provided, single submitter. Criteria: ACMG Guidelines, 2015. Collection method: clinical testing. Allele origin: germline. Affected: yes.
Comment: Absent from controls (or at extremely low frequency if recessive) in Genome Aggregation Database, Exome Sequencing Project, 1000 Genomes Project, or Exome Aggregation Consortium.;Multiple lines of computational evidence support a deleterious effect on the gene or gene product (conservation, evolutionary, splicing impact, etc).;Patient's phenotype or family history is highly specific for a disease with a single genetic etiology.

NM_004612.4(TGFBR1):c.860C>T (p.Ser287Phe)

Gene: TGFBR1 (transforming growth factor beta receptor 1; plus strand). Cytogenetic location: 9q22.33.
Variant type: single nucleotide variant.
Coding change: c.860C>T on transcript NM_004612.4 (MANE Select); coding-DNA position 860, C replaced by T.
Protein change: p.Ser287Phe; replaces serine 287 with phenylalanine.
Molecular consequence: missense variant.
Genome position (GRCh38, 1-based): chr9:99,142,590, C>T. VCF-style: chr9-99142590-C-T. GRCh37 (hg19) VCF-style: chr9-101904872-C-T.
Other names: p.S287F:TCC>TTC; c.629C>T, p.Ser210Phe (NM_001130916.3); c.872C>T, p.Ser291Phe (NM_001306210.2); short protein forms S287F, S291F, S210F.
Identifiers: ClinVar variation 213900 (VCV000213900.7), dbSNP rs863223832, ClinGen allele CA319926.